The following is an entry in ClinVar:

ClinVar aggregate classification (germline): Uncertain significance. Review status: criteria provided, multiple submitters, no conflicts (2 of 4 stars). 2 submissions from 2 submitters: Uncertain significance (2). Last evaluated 2025-12-10.

Conditions:
Inborn genetic diseases. Identifiers: MedGen C0950123, MeSH D030342.
KBG syndrome (KBGS). Also called: ANKRD11-Related KBG Syndrome. Identifiers: Orphanet 2332, MedGen C0220687, MONDO:0007846, OMIM 148050.

gnomAD v4.1: 10 of 1,614,184 alleles (0.00062%); highest among the groups gnomAD compares: South Asian, 0.0011%; no homozygotes.

Submissions (2):

Labcorp Genetics (formerly Invitae), Labcorp
Classification: Uncertain significance for KBG syndrome. Last evaluated: 2025-12-10. Review status: criteria provided, single submitter. Criteria: Invitae Variant Classification Sherloc (09022015). Collection method: clinical testing. Allele origin: germline.
Comment: This sequence change replaces arginine, which is basic and polar, with cysteine, which is neutral and slightly polar, at codon 1789 of the ANKRD11 protein (p.Arg1789Cys). This variant is present in population databases (no rsID available, gnomAD 0.0009%). This variant has not been reported in the literature in individuals affected with ANKRD11-related conditions. ClinVar contains an entry for this variant (Variation ID: 4054242). Invitae Evidence Modeling of protein sequence and biophysical properties (such as structural, functional, and spatial information, amino acid conservation, physicochemical variation, residue mobility, and thermodynamic stability) has been performed for this missense variant. However, the output from this modeling did not meet the statistical confidence thresholds required to predict the impact of this variant on ANKRD11 protein function. In summary, the available evidence is currently insufficient to determine the role of this variant in disease. Therefore, it has been classified as a Variant of Uncertain Significance.

Ambry Genetics
Classification: Uncertain significance for Inborn genetic diseases. Last evaluated: 2025-04-28. Review status: criteria provided, single submitter. Criteria: Ambry Variant Classification Scheme 2023. Collection method: clinical testing. Allele origin: germline.

NM_013275.6(ANKRD11):c.5365C>T (p.Arg1789Cys)

Gene: ANKRD11 (ankyrin repeat domain 11; minus strand). Cytogenetic location: 16q24.3.
Variant type: single nucleotide variant.
Coding change: c.5365C>T on transcript NM_013275.6 (MANE Select); coding-DNA position 5365, C replaced by T.
Protein change: p.Arg1789Cys; replaces arginine 1789 with cysteine.
Molecular consequence: missense variant.
Genome position (GRCh38, 1-based): chr16:89,281,177, G>A on the plus strand (C>T on the coding strand, the complement: ANKRD11 is on the minus strand). VCF-style: chr16-89281177-G-A. GRCh37 (hg19) VCF-style: chr16-89347585-G-A.
Other names: c.5365C>T, p.Arg1789Cys (NM_001256182.2, NM_001256183.2); short protein forms R1789C.
Identifiers: ClinVar variation 4054242 (VCV004054242.2).
Genomic context (GRCh38, chr16:89,281,177, plus strand): 5'-GCTTGTCTCCGACGCTGAATTCTTCCTCGGGGGTCCTCCTAATGTCGACAGAGACCGAGC[G>A]GTAAAGGTTTGTGGAGAGAGGCCTGGCAGGAGCCTGGCTGGCGTTTTCCGAAAGCCCACT-3'
Protein context (NP_037407.4, residues 1779-1799): PARPLSTNLY[Arg1789Cys]SVSVDIRRTP